The following is an entry in ClinVar:

ClinVar aggregate classification (germline): Likely benign (0 of 4 stars; one submission).

Conditions:
FTCD-AS1-related disorder. Also called: FTCD-AS1-related condition.

Submission:

PreventionGenetics, part of Exact Sciences
Classification: Likely benign for FTCD-AS1-related condition. Last evaluated: 2021-01-20. Review status: no assertion criteria provided. Collection method: clinical testing. Allele origin: germline.
Comment: This variant is classified as likely benign based on ACMG/AMP sequence variant interpretation guidelines (Richards et al. 2015 PMID: 25741868, with internal and published modifications).

NC_000021.9:g.46151553del

Genes: FTCD (formimidoyltransferase cyclodeaminase; minus strand), FTCD-AS1 (FTCD antisense RNA 1; plus strand). Cytogenetic location: 21q22.3.
Variant type: Deletion.
Molecular consequence: intron variant (on NM_206965.2).
Genome position: GRCh38 VCF-style: chr21-46151549-CG-C. GRCh37 (hg19) VCF-style: chr21-47571463-CG-C.
Other names: NM_001350598.1:c.19delG; c.636+8del (NM_001320412.2, NM_006657.3, NM_206965.2).
Identifiers: ClinVar variation 3030366 (VCV003030366.2), dbSNP rs1414958605, ClinGen allele CA638498096.
Genomic context (GRCh38, chr21:46,151,549, plus strand): 5'-AGGCTCTCAGCCTCTAACCCTTTCCCGAGGGGCTGGGTGGGGCTCCATGGGGTCAGTGAA[CG>C]GGGTCACCTGGTCCTTCCCGCGGCCCTGCTCCCGCAGGTTGAGCGCGATGCGGTGGGCTT-3'